The following is an entry in ClinVar:

ClinVar aggregate classification (germline): Uncertain significance (1 of 4 stars; one submission).

Submission:

Labcorp Genetics (formerly Invitae), Labcorp
Classification: Uncertain significance. Last evaluated: 2025-11-06. Review status: criteria provided, single submitter. Criteria: Invitae Variant Classification Sherloc (09022015). Collection method: clinical testing. Allele origin: germline.
Comment: This sequence change replaces tyrosine, which is neutral and polar, with aspartic acid, which is acidic and polar, at codon 817 of the AHDC1 protein (p.Tyr817Asp). This variant is not present in population databases (gnomAD no frequency). This variant has not been reported in the literature in individuals affected with AHDC1-related conditions. An algorithm developed to predict the effect of missense changes on protein structure and function (PolyPhen-2) suggests that this variant is likely to be disruptive. In summary, the available evidence is currently insufficient to determine the role of this variant in disease. Therefore, it has been classified as a Variant of Uncertain Significance.

NM_001371928.1(AHDC1):c.2449T>G (p.Tyr817Asp)

Gene: AHDC1 (AT-hook DNA binding motif containing 1; minus strand). Cytogenetic location: 1p36.11.
Variant type: single nucleotide variant.
Coding change: c.2449T>G on transcript NM_001371928.1 (MANE Select); coding-DNA position 2449, T replaced by G.
Protein change: p.Tyr817Asp; replaces tyrosine 817 with aspartic acid.
Molecular consequence: missense variant.
Genome position (GRCh38, 1-based): chr1:27,549,667, A>C on the plus strand (T>G on the coding strand, the complement: AHDC1 is on the minus strand). VCF-style: chr1-27549667-A-C. GRCh37 (hg19) VCF-style: chr1-27876178-A-C.
Other names: c.2449T>G, p.Tyr817Asp (NM_001029882.3); short protein forms Y817D.
Identifiers: ClinVar variation 4730675 (VCV004730675.1).
Genomic context (GRCh38, chr1:27,549,667, plus strand): 5'-TGAAGAGGTTTTGGCGCTCCTGGCTGAGCTCGGTCTGGCCTGAGGGTGCACCCGTGCTGT[A>C]GTAGCTGCCACGGCCTGAGGCTCCACTCTCCAGCCCAGTGGAGGCAAAGGCCCGGGCCTC-3'
Protein context (NP_001358857.1, residues 807-827): ESGASGRGSY[Tyr817Asp]STGAPSGQTE